The following is an entry in ClinVar:

NM_024422.6(DSC2):c.2103G>T (p.Leu701Phe)

Gene: DSC2 (desmocollin 2; minus strand). Cytogenetic location: 18q12.1.
Variant type: single nucleotide variant.
Coding change: c.2103G>T on transcript NM_024422.6 (MANE Select); coding-DNA position 2103, G replaced by T.
Protein change: p.Leu701Phe; replaces leucine 701 with phenylalanine.
Molecular consequence: missense variant.
Genome position (GRCh38, 1-based): chr18:31,071,627, C>A on the plus strand (G>T on the coding strand, the complement: DSC2 is on the minus strand). VCF-style: chr18-31071627-C-A. GRCh37 (hg19) VCF-style: chr18-28651593-C-A.
Other names: c.1674G>T, p.Leu558Phe (NM_001406506.1, NM_001406507.1); c.2103G>T, p.Leu701Phe (NM_004949.5); short protein forms L701F, L558F.
Identifiers: ClinVar variation 2696507 (VCV002696507.4), dbSNP rs141726394, ClinGen allele CA402112766.
Genomic context (GRCh38, chr18:31,071,627, plus strand): 5'-GGGTATTATTTGAATTCAAGAAAGGACTTAAGACTTACAAAAGAGCAATGCTATGCCCAA[C>A]AATATTGCAAGGATGGCCCACTTTCCAAGTTGTACTCCTCCACCGCCAATCCTTGGATCT-3'
Protein context (NP_077740.1, residues 691-711): QLGKWAILAI[Leu701Phe]LGIALLFCIL

ClinVar aggregate classification (germline): Uncertain significance. Review status: criteria provided, multiple submitters, no conflicts (2 of 4 stars). 2 submissions from 2 submitters: Uncertain significance (2). Last evaluated 2024-12-17.

Conditions:
Arrhythmogenic right ventricular dysplasia 11. Also called: Arrhythmogenic Right Ventricular Dysplasia/Cardiomyopathy11; ARRHYTHMOGENIC RIGHT VENTRICULAR DYSPLASIA, FAMILIAL, 11; Arrhythmogenic right ventricular dysplasia 11 with mild palmoplantar keratoderma and woolly hair. Identifiers: MedGen C1864850, MONDO:0012506, OMIM 610476.
Familial isolated arrhythmogenic right ventricular dysplasia. Identifiers: Orphanet 217656, MedGen C4274968, MONDO:0016342.

Submissions (2):

Labcorp Genetics (formerly Invitae), Labcorp
Classification: Uncertain significance for Arrhythmogenic right ventricular dysplasia 11. Last evaluated: 2024-12-17. Review status: criteria provided, single submitter. Criteria: Invitae Variant Classification Sherloc (09022015). Collection method: clinical testing. Allele origin: germline.
Comment: This sequence change replaces leucine, which is neutral and non-polar, with phenylalanine, which is neutral and non-polar, at codon 701 of the DSC2 protein (p.Leu701Phe). This variant is not present in population databases (gnomAD no frequency). This variant has not been reported in the literature in individuals affected with DSC2-related conditions. ClinVar contains an entry for this variant (Variation ID: 2696507). Invitae Evidence Modeling of protein sequence and biophysical properties (such as structural, functional, and spatial information, amino acid conservation, physicochemical variation, residue mobility, and thermodynamic stability) has been performed for this missense variant. However, the output from this modeling did not meet the statistical confidence thresholds required to predict the impact of this variant on DSC2 protein function. In summary, the available evidence is currently insufficient to determine the role of this variant in disease. Therefore, it has been classified as a Variant of Uncertain Significance.

All of Us Research Program, National Institutes of Health
Classification: Uncertain significance for Familial isolated arrhythmogenic right ventricular dysplasia. Last evaluated: 2023-08-15. Review status: criteria provided, single submitter. Criteria: ACMG Guidelines, 2015. Collection method: clinical testing. Allele origin: germline. Inheritance: Autosomal dominant inheritance. Observed: 1 variant allele, 1 heterozygote.
Comment: This missense variant replaces leucine with phenylalanine at codon 701 of the DSC2 protein. Computational prediction suggests that this variant may not impact protein structure and function (internally defined REVEL score threshold <= 0.5, PMID: 27666373). To our knowledge, functional studies have not been reported for this variant. This variant has not been reported in individuals affected with DSC2-related disorders in the literature. This variant has not been identified in the general population by the Genome Aggregation Database (gnomAD). The available evidence is insufficient to determine the role of this variant in disease conclusively. Therefore, this variant is classified as a Variant of Uncertain Significance.

This study involves interpretation of variants in research participants for the purpose of population health screening. Participant phenotype was not available at the time of variant classification. Additional details can be found in publication PMID: 35346344, PMCID: PMC8962531